The following is an entry in ClinVar:

NM_005862.3(STAG1):c.225C>A (p.His75Gln)

Gene: STAG1 (STAG1 cohesin complex component; minus strand). Cytogenetic location: 3q22.3.
Variant type: single nucleotide variant.
Coding change: c.225C>A on transcript NM_005862.3 (MANE Select); coding-DNA position 225, C replaced by A.
Protein change: p.His75Gln; replaces histidine 75 with glutamine.
Molecular consequence: missense variant.
Genome position (GRCh38, 1-based): chr3:136,604,381, G>T on the plus strand (C>A on the coding strand, the complement: STAG1 is on the minus strand). VCF-style: chr3-136604381-G-T. GRCh37 (hg19) VCF-style: chr3-136323223-G-T.
Other names: short protein forms H75Q.
Identifiers: ClinVar variation 2635447 (VCV002635447.1), dbSNP rs1296102233, ClinGen allele CA354745008.

ClinVar aggregate classification (germline): Uncertain significance (1 of 4 stars; one submission).

Conditions:
STAG1-related disorder. Also called: STAG1-related disorders.

Allele frequency attached by ClinVar (database versions not stated): gnomAD exomes below 0.00001; TOPMed below 0.00001; gnomAD 0.00001.
gnomAD v4.1: 3 of 1,613,374 alleles (0.00019%); highest among the groups gnomAD compares: Non-Finnish European, 0.00025%; no homozygotes.

Submission:

PreventionGenetics, part of Exact Sciences
Classification: Uncertain significance for STAG1-related condition. Last evaluated: 2022-10-28. Review status: criteria provided, single submitter. Criteria: ACMG Guidelines, 2015. Collection method: clinical testing. Allele origin: germline.
Comment: The STAG1 c.225C>A variant is predicted to result in the amino acid substitution p.His75Gln. To our knowledge, this variant has not been reported in the literature. This variant is reported in 0.0065% of alleles in individuals of European (Non-Finnish) descent in gnomAD. At this time, the clinical significance of this variant is uncertain due to the absence of conclusive functional and genetic evidence.